The following is an entry in ClinVar:

ClinVar aggregate classification (germline): Benign/Likely benign. Review status: criteria provided, multiple submitters, no conflicts (2 of 4 stars). 17 submissions from 17 submitters: Benign (10); Likely benign (2). 5 of the submissions do not count toward it. Last evaluated 2026-02-04.

Conditions:
Cardiovascular phenotype. Identifiers: MedGen CN230736.
Long QT syndrome (LQTS). Identifiers: MedGen C0023976, MeSH D008133, MONDO:0002442. Disease mechanism: loss of function. Inheritance: Various modes of inheritance.
Rippling muscle disease 2 (RMD2). Also called: Limb-girdle muscular dystrophy, type 1C; CAV3-Related Rippling Muscle Disease. Identifiers: Orphanet 265, MedGen C1832560, MONDO:0019947, OMIM 606072.
Caveolinopathy. Identifiers: Orphanet 207078, MedGen C5679790, MONDO:0016146.

Allele frequency attached by ClinVar (database versions not stated): 1000 Genomes Project 30x 0.15912; TOPMed 0.22634; gnomAD 0.23875 and 0.22935; gnomAD exomes 0.18205 and 0.22245; 1000 Genomes Project 0.15296; ExAC 0.18859; ESP Exome Variant Server 0.25557.
gnomAD v4.1: 358,479 of 1,612,768 alleles (22%); highest among the groups gnomAD compares: African/African-American, 29%; 43,715 homozygotes.

Submissions (17):

Labcorp Genetics (formerly Invitae), Labcorp
Classification: Benign for Long QT syndrome. Last evaluated: 2026-02-04. Review status: criteria provided, single submitter. Criteria: Invitae Variant Classification Sherloc (09022015). Collection method: clinical testing. Allele origin: germline.

Genomic Medicine Center of Excellence, King Faisal Specialist Hospital and Research Centre
Classification: Benign for Rippling muscle disease 2. Last evaluated: 2024-12-19. Review status: criteria provided, single submitter. Criteria: ACMG Guidelines, 2015. Collection method: clinical testing. Allele origin: germline.

Blueprint Genetics
Classification: Likely benign. Last evaluated: 2024-11-26. Review status: criteria provided, single submitter. Criteria: ACMG Guidelines, 2015. Collection method: clinical testing. Allele origin: germline.

Illumina Laboratory Services, Illumina
Classification: Benign for Caveolinopathy. Last evaluated: 2018-01-12. Review status: criteria provided, single submitter. Criteria: ICSL Variant Classification Criteria 13 December 2019. Collection method: clinical testing. Allele origin: germline.
Comment: This variant was observed in the ICSL laboratory as part of a predisposition screen in an ostensibly healthy population. It had not been previously curated by ICSL or reported in the Human Gene Mutation Database (HGMD: prior to June 1st, 2018), and was therefore a candidate for classification through an automated scoring system. Utilizing variant allele frequency, disease prevalence and penetrance estimates, and inheritance mode, an automated score was calculated to assess if this variant is too frequent to cause the disease. Based on the score and internal cut-off values, a variant classified as benign is not then subjected to further curation. The score for this variant resulted in a classification of benign for this disease.

Mayo Clinic Laboratories, Mayo Clinic
Classification: Benign. Last evaluated: 2017-07-24. Review status: criteria provided, single submitter. Criteria: ACMG Guidelines, 2015. Collection method: clinical testing. Allele origin: germline. Observed: 851 variant alleles.

Athena Diagnostics
Classification: Benign. Last evaluated: 2017-04-29. Review status: criteria provided, single submitter. Criteria: Athena Diagnostics Criteria. Collection method: clinical testing. Allele origin: unknown.

Ambry Genetics
Classification: Benign for Cardiovascular phenotype. Last evaluated: 2015-03-09. Review status: criteria provided, single submitter. Criteria: Ambry Variant Classification Scheme 2023. Collection method: clinical testing. Allele origin: germline.

Eurofins Ntd Llc (ga)
Classification: Benign. Last evaluated: 2013-07-29. Review status: criteria provided, single submitter. Criteria: EGL Classification Definitions 2015. Collection method: clinical testing. Allele origin: germline. Observed: 41 variant alleles, 36 heterozygotes, 5 homozygotes.

Laboratory for Molecular Medicine, Mass General Brigham Personalized Medicine
Classification: Benign. Last evaluated: 2012-01-25. Review status: criteria provided, single submitter. Criteria: LMM Criteria. Collection method: clinical testing. Allele origin: germline. Observed: 609 variant alleles.

GeneDx
Classification: Benign. Last evaluated: 2011-07-09. Review status: criteria provided, single submitter. Criteria: GeneDx Variant Classification (06012015). Collection method: clinical testing. Allele origin: germline. Affected: yes.
Comment: This variant is considered likely benign or benign based on one or more of the following criteria: it is a conservative change, it occurs at a poorly conserved position in the protein, it is predicted to be benign by multiple in silico algorithms, and/or has population frequency not consistent with disease.

Breakthrough Genomics
Classification: Likely benign. Review status: criteria provided, single submitter. Criteria: ACMG Guidelines, 2015. Collection method: not provided. Allele origin: germline. Inheritance: Autosomal recessive inheritance. Affected: yes.

PreventionGenetics, part of Exact Sciences
Classification: Benign. Review status: criteria provided, single submitter. Criteria: ACMG Guidelines, 2015. Collection method: clinical testing. Allele origin: germline.

Leiden Muscular Dystrophy (CAV3)
No classification provided. Last evaluated: 2012-04-15. Review status: no classification provided. Collection method: curation. Allele origin: germline. Not counted in ClinVar's aggregate classification.

Clinical Genetics, Academic Medical Center
Classification: Benign. Review status: no assertion criteria provided. Collection method: clinical testing. Allele origin: germline. Affected: yes. Study: VKGL Data-share Consensus. Not counted in ClinVar's aggregate classification.

Genetic Services Laboratory, University of Chicago
Classification: Likely benign for AllHighlyPenetrant. Review status: no assertion criteria provided. Collection method: clinical testing. Allele origin: germline. Inheritance: Autosomal dominant inheritance. Not counted in ClinVar's aggregate classification.
Comment: Likely benign based on allele frequency in 1000 Genomes Project or ESP global frequency and its presence in a patient with a rare or unrelated disease phenotype. NOT Sanger confirmed.

Genome Diagnostics Laboratory, University Medical Center Utrecht
Classification: Benign. Review status: no assertion criteria provided. Collection method: clinical testing. Allele origin: germline. Affected: yes. Study: VKGL Data-share Consensus. Not counted in ClinVar's aggregate classification.

Joint Genome Diagnostic Labs from Nijmegen and Maastricht, Radboudumc and MUMC+
Classification: Benign. Review status: no assertion criteria provided. Collection method: clinical testing. Allele origin: germline. Affected: yes. Study: VKGL Data-share Consensus. Not counted in ClinVar's aggregate classification.

NM_033337.3(CAV3):c.123T>C (p.Phe41=)

Genes: CAV3 (caveolin 3; plus strand), OXTR (oxytocin receptor; minus strand). Cytogenetic location: 3p25.3.
Variant type: single nucleotide variant.
Coding change: c.123T>C on transcript NM_033337.3 (MANE Select); coding-DNA position 123, T replaced by C.
Protein change: p.Phe41=; no amino-acid change (phenylalanine 41 retained).
Molecular consequence: synonymous variant.
Genome position (GRCh38, 1-based): chr3:8,745,534, T>C. VCF-style: chr3-8745534-T-C. GRCh37 (hg19) VCF-style: chr3-8787220-T-C.
Other names: p.F41F:TTT>TTC; p.Phe41=; c.123T>C, p.Phe41= (NM_001234.5).
Identifiers: ClinVar variation 31717 (VCV000031717.37), dbSNP rs13087941, ClinGen allele CA138557.